The following is an entry in ClinVar:

NM_000138.5(FBN1):c.4996A>G (p.Thr1666Ala)

Gene: FBN1 (fibrillin 1; minus strand). Cytogenetic location: 15q21.1.
Variant type: single nucleotide variant.
Coding change: c.4996A>G on transcript NM_000138.5 (MANE Select); coding-DNA position 4996, A replaced by G.
Protein change: p.Thr1666Ala; replaces threonine 1666 with alanine.
Molecular consequence: missense variant.
Genome position (GRCh38, 1-based): chr15:48,463,968, T>C on the plus strand (A>G on the coding strand, the complement: FBN1 is on the minus strand). VCF-style: chr15-48463968-T-C. GRCh37 (hg19) VCF-style: chr15-48756165-T-C.
Other names: c.4996A>G, p.Thr1666Ala (NM_001406716.1); short protein forms T1666A.
Identifiers: ClinVar variation 4843838 (VCV004843838.1).

ClinVar aggregate classification (germline): Uncertain significance (1 of 4 stars; one submission).

Conditions:
Familial thoracic aortic aneurysm and aortic dissection (TAAD). Also called: Thoracic aortic aneurysms and dissections. Identifiers: Orphanet 91387, MedGen C4707243, MONDO:0019625.

Submission:

Ambry Genetics
Classification: Uncertain significance for Familial thoracic aortic aneurysm and aortic dissection. Last evaluated: 2026-01-10. Review status: criteria provided, single submitter. Criteria: Ambry Variant Classification Scheme 2023. Collection method: clinical testing. Allele origin: germline.
Comment: The p.T1666A variant (also known as c.4996A>G), located in coding exon 40 of the FBN1 gene, results from an A to G substitution at nucleotide position 4996. The threonine at codon 1666 is replaced by alanine, an amino acid with similar properties. This amino acid position is conserved. In addition, the in silico prediction for this alteration is inconclusive. Based on the available evidence, the clinical significance of this variant remains unclear.